The following is an entry in ClinVar:

ClinVar aggregate classification (germline): Uncertain significance (1 of 4 stars; one submission).

Conditions:
Creatine transporter deficiency (CCDS1). Also called: Creatine Transporter (CRTR) Deficiency; Mental retardation , X-linked with seizures, short stature and midface hypoplasia; Mental retardation , X-linked, with creatine transport deficiency; X-linked creatine transporter deficiency; X-linked creatine deficiency syndrome; SLC6A8-Related Creatine Transporter Deficiency. Identifiers: Orphanet 52503, MedGen C1845862, MONDO:0010305, OMIM 300352.

Submission:

Labcorp Genetics (formerly Invitae), Labcorp
Classification: Uncertain significance for Creatine transporter deficiency. Last evaluated: 2019-10-20. Review status: criteria provided, single submitter. Criteria: Invitae Variant Classification Sherloc (09022015). Collection method: clinical testing. Allele origin: germline.
Comment: In summary, this variant is a novel missense change with uncertain impact on protein function. It has been classified as a Variant of Uncertain Significance. Algorithms developed to predict the effect of missense changes on protein structure and function do not agree on the potential impact of this missense change (SIFT: "Deleterious"; PolyPhen-2: "Probably Damaging"; Align-GVGD: "Class C0"). This variant is not present in population databases (ExAC no frequency) and has not been reported in the literature in individuals with a SLC6A8-related disease. This sequence change replaces proline with leucine at codon 597 of the SLC6A8 protein (p.Pro597Leu). The proline residue is moderately conserved and there is a moderate physicochemical difference between proline and leucine.

NM_005629.4(SLC6A8):c.1790C>T (p.Pro597Leu)

Gene: SLC6A8 (solute carrier family 6 member 8; plus strand). Cytogenetic location: Xq28.
Variant type: single nucleotide variant.
Coding change: c.1790C>T on transcript NM_005629.4 (MANE Select); coding-DNA position 1790, C replaced by T.
Protein change: p.Pro597Leu; replaces proline 597 with leucine.
Molecular consequence: missense variant.
Genome position (GRCh38, 1-based): chrX:153,695,096, C>T. VCF-style: chrX-153695096-C-T. GRCh37 (hg19) VCF-style: chrX-152960551-C-T.
Other names: c.1760C>T, p.Pro587Leu (NM_001142805.2); c.1445C>T, p.Pro482Leu (NM_001142806.1); short protein forms P597L, P482L, P587L.
Identifiers: ClinVar variation 410222 (VCV000410222.10), dbSNP rs1060502811, ClinGen allele CA16616624.